The following is an entry in ClinVar:

NM_006267.5(RANBP2):c.7471G>C (p.Ala2491Pro)

Gene: RANBP2 (RAN binding protein 2; plus strand). Cytogenetic location: 2q13.
Variant type: single nucleotide variant.
Coding change: c.7471G>C on transcript NM_006267.5 (MANE Select); coding-DNA position 7471, G replaced by C.
Protein change: p.Ala2491Pro; replaces alanine 2491 with proline.
Molecular consequence: missense variant.
Genome position (GRCh38, 1-based): chr2:108,768,010, G>C. VCF-style: chr2-108768010-G-C. GRCh37 (hg19) VCF-style: chr2-109384466-G-C.
Other names: short protein forms A2491P.
Identifiers: ClinVar variation 835328 (VCV000835328.5), dbSNP rs758152724, ClinGen allele CA348078396.

ClinVar aggregate classification (germline): Uncertain significance (1 of 4 stars; one submission).

Conditions:
Familial acute necrotizing encephalopathy (IIAE3). Also called: ENCEPHALOPATHY, ACUTE, INFECTION-INDUCED, SUSCEPTIBILITY TO, 3; Susceptibility to Acute Necrotizing Encephalopathy 1. Identifiers: Orphanet 88619, MedGen C2675556, MONDO:0011953, OMIM 608033.

gnomAD v4.1: 1 of 1,611,742 alleles (0.000062%); no homozygotes.

Submission:

Labcorp Genetics (formerly Invitae), Labcorp
Classification: Uncertain significance for Familial acute necrotizing encephalopathy. Last evaluated: 2021-09-08. Review status: criteria provided, single submitter. Criteria: Invitae Variant Classification Sherloc (09022015). Collection method: clinical testing. Allele origin: germline.
Comment: This sequence change replaces alanine with proline at codon 2491 of the RANBP2 protein (p.Ala2491Pro). The alanine residue is weakly conserved and there is a small physicochemical difference between alanine and proline. This variant is not present in population databases (ExAC no frequency). This variant has not been reported in the literature in individuals affected with RANBP2-related conditions. ClinVar contains an entry for this variant (Variation ID: 835328). Algorithms developed to predict the effect of missense changes on protein structure and function (SIFT, PolyPhen-2, Align-GVGD) all suggest that this variant is likely to be tolerated. In summary, the available evidence is currently insufficient to determine the role of this variant in disease. Therefore, it has been classified as a Variant of Uncertain Significance.